The following is an entry in ClinVar:

NM_021146.4(ANGPTL7):c.930G>A (p.Leu310=)

Genes: ANGPTL7 (angiopoietin like 7; plus strand), MTOR (mechanistic target of rapamycin kinase; minus strand). Cytogenetic location: 1p36.22.
Variant type: single nucleotide variant.
Coding change: c.930G>A on transcript NM_021146.4 (MANE Select); coding-DNA position 930, G replaced by A.
Protein change: p.Leu310=; no amino-acid change (leucine 310 retained).
Molecular consequence: synonymous variant. On other transcripts: intron variant (3).
Genome position (GRCh38, 1-based): chr1:11,194,912, G>A. VCF-style: chr1-11194912-G-A. GRCh37 (hg19) VCF-style: chr1-11254969-G-A.
Other names: c.3005+4346C>T (NM_001386501.1); c.4253+4346C>T (NM_004958.4, NM_001386500.1).
Identifiers: ClinVar variation 2638225 (VCV002638225.24), dbSNP rs763330970, ClinGen allele CA589988.

ClinVar aggregate classification (germline): Likely benign (1 of 4 stars; one submission).

Allele frequency attached by ClinVar (database versions not stated): TOPMed 0.00001; ExAC 0.00002; gnomAD 0.00002; gnomAD exomes 0.00004.
gnomAD v4.1: 64 of 1,614,052 alleles (0.004%); highest among the groups gnomAD compares: South Asian, 0.065%; no homozygotes.

Submission:

CeGaT Center for Human Genetics Tuebingen
Classification: Likely benign. Last evaluated: 2023-03-01. Review status: criteria provided, single submitter. Criteria: CeGaT Center For Human Genetics Tuebingen Variant Classification Criteria Version 2. Collection method: clinical testing. Allele origin: germline. Affected: yes. Observed: 1 variant allele.
Comment: ANGPTL7: BP4, BP7